The following is an entry in ClinVar:

NM_001377.3(DYNC2H1):c.11315G>A (p.Arg3772His)

Gene: DYNC2H1 (dynein cytoplasmic 2 heavy chain 1; plus strand). Cytogenetic location: 11q22.3.
Variant type: single nucleotide variant.
Coding change: c.11315G>A on transcript NM_001377.3 (MANE Select); coding-DNA position 11315, G replaced by A.
Protein change: p.Arg3772His; replaces arginine 3772 with histidine.
Molecular consequence: missense variant.
Genome position (GRCh38, 1-based): chr11:103,304,653, G>A. VCF-style: chr11-103304653-G-A. GRCh37 (hg19) VCF-style: chr11-103175382-G-A.
Other names: c.11336G>A, p.Arg3779His (NM_001080463.2); c.11336G>A (NM_001080463.1); short protein forms R3772H, R3779H.
Identifiers: ClinVar variation 2075586 (VCV002075586.3), dbSNP rs371973761, ClinGen allele CA6255233.

ClinVar aggregate classification (germline): Uncertain significance. Review status: criteria provided, multiple submitters, no conflicts (2 of 4 stars). 3 submissions from 3 submitters: Uncertain significance (3). Last evaluated 2024-05-17.

Conditions:
Inborn genetic diseases. Identifiers: MedGen C0950123, MeSH D030342.
Jeune thoracic dystrophy. Also called: Short-rib thoracic dysplasia; Jeune syndrome; Infantile thoracic dystrophy; Thoracic pelvic phalangeal dystrophy; Jeune's syndrome; Chondroectodermal dysplasia-like syndrome. Identifiers: Orphanet 474, MedGen C0265275, MONDO:0018770.
Asphyxiating thoracic dystrophy 3. Also called: SHORT-RIB THORACIC DYSPLASIA 3 WITH OR WITHOUT POLYDACTYLY; POLYDACTYLY WITH NEONATAL CHONDRODYSTROPHY, TYPE I; SHORT-RIB THORACIC DYSPLASIA 3/6 WITH POLYDACTYLY, DIGENIC; Saldino-Noonan Syndrome; Short rib polydactyly syndrome 2B. Identifiers: Orphanet 474, Orphanet 93269, Orphanet 93270, Orphanet 93271, MedGen C0036069, MONDO:0013127, OMIM 613091.

Allele frequency attached by ClinVar (database versions not stated): gnomAD 0.00001; TOPMed 0.00001.
gnomAD v4.1: 31 of 1,613,054 alleles (0.0019%); highest among the groups gnomAD compares: Admixed American, 0.005%; no homozygotes.

Submissions (3):

Fulgent Genetics
Classification: Uncertain significance for Asphyxiating thoracic dystrophy 3. Last evaluated: 2024-05-17. Review status: criteria provided, single submitter. Criteria: ACMG Guidelines, 2015. Collection method: clinical testing. Allele origin: germline.

Ambry Genetics
Classification: Uncertain significance for Inborn genetic diseases. Last evaluated: 2023-12-21. Review status: criteria provided, single submitter. Criteria: Ambry Variant Classification Scheme 2023. Collection method: clinical testing. Allele origin: germline.

Labcorp Genetics (formerly Invitae), Labcorp
Classification: Uncertain significance for Jeune thoracic dystrophy. Last evaluated: 2022-10-19. Review status: criteria provided, single submitter. Criteria: Invitae Variant Classification Sherloc (09022015). Collection method: clinical testing. Allele origin: germline.
Comment: This sequence change replaces arginine, which is basic and polar, with histidine, which is basic and polar, at codon 3779 of the DYNC2H1 protein (p.Arg3779His). This variant is present in population databases (rs371973761, gnomAD 0.006%). This variant has not been reported in the literature in individuals affected with DYNC2H1-related conditions. Advanced modeling of protein sequence and biophysical properties (such as structural, functional, and spatial information, amino acid conservation, physicochemical variation, residue mobility, and thermodynamic stability) performed at Invitae indicates that this missense variant is not expected to disrupt DYNC2H1 protein function. In summary, the available evidence is currently insufficient to determine the role of this variant in disease. Therefore, it has been classified as a Variant of Uncertain Significance.